The following is an entry in ClinVar:

NM_017636.4(TRPM4):c.338G>A (p.Arg113His)

Gene: TRPM4 (transient receptor potential cation channel subfamily M member 4; plus strand). Cytogenetic location: 19q13.33.
Variant type: single nucleotide variant.
Coding change: c.338G>A on transcript NM_017636.4 (MANE Select); coding-DNA position 338, G replaced by A.
Protein change: p.Arg113His; replaces arginine 113 with histidine.
Molecular consequence: missense variant. On other transcripts: intron variant (4).
Genome position (GRCh38, 1-based): chr19:49,167,987, G>A. VCF-style: chr19-49167987-G-A. GRCh37 (hg19) VCF-style: chr19-49671244-G-A.
Other names: c.338G>A, p.Arg113His (NM_001195227.2); c.-1105-273G>A (NM_001321282.2); c.268-566G>A (NM_001321281.2); c.-74-273G>A (NM_001321283.2); c.-237-566G>A (NM_001321285.2); short protein forms R113H.
Identifiers: ClinVar variation 945762 (VCV000945762.17), dbSNP rs149335121, ClinGen allele CA9568787.

ClinVar aggregate classification (germline): Conflicting classifications of pathogenicity. Review status: criteria provided, conflicting classifications (1 of 4 stars). 4 submissions from 4 submitters: Uncertain significance (3); Likely benign (1). Last evaluated 2026-01-04.

Conditions:
Cardiovascular phenotype. Identifiers: MedGen CN230736.
Progressive familial heart block type IB (PFHB1B). Identifiers: Orphanet 871, MedGen C1970298, MONDO:0011474, OMIM 604559.
Erythrokeratodermia variabilis et progressiva 6. Identifiers: MedGen C5193144, MONDO:0032801, OMIM 618531.

Allele frequency attached by ClinVar (database versions not stated): ExAC 0.00005; gnomAD exomes 0.00006; TOPMed 0.00009; gnomAD 0.00011; 1000 Genomes Project 30x 0.00016; 1000 Genomes Project 0.00020; ESP Exome Variant Server 0.00023.
gnomAD v4.1: 253 of 1,613,976 alleles (0.016%); highest among the groups gnomAD compares: Non-Finnish European, 0.019%; 1 homozygote.

Submissions (4):

Labcorp Genetics (formerly Invitae), Labcorp
Classification: Uncertain significance for Progressive familial heart block type IB. Last evaluated: 2026-01-04. Review status: criteria provided, single submitter. Criteria: Invitae Variant Classification Sherloc (09022015). Collection method: clinical testing. Allele origin: germline.
Comment: This sequence change replaces arginine, which is basic and polar, with histidine, which is basic and polar, at codon 113 of the TRPM4 protein (p.Arg113His). This variant is present in population databases (rs149335121, gnomAD 0.01%). This variant has not been reported in the literature in individuals affected with TRPM4-related conditions. ClinVar contains an entry for this variant (Variation ID: 945762). An algorithm developed to predict the effect of missense changes on protein structure and function (PolyPhen-2) suggests that this variant is likely to be tolerated. In summary, the available evidence is currently insufficient to determine the role of this variant in disease. Therefore, it has been classified as a Variant of Uncertain Significance.

Ambry Genetics
Classification: Likely benign for Cardiovascular phenotype. Last evaluated: 2024-10-10. Review status: criteria provided, single submitter. Criteria: Ambry Variant Classification Scheme 2023. Collection method: clinical testing. Allele origin: germline.

Fulgent Genetics
Classification: Uncertain significance for Progressive familial heart block type IB; Erythrokeratodermia variabilis et progressiva 6. Last evaluated: 2021-09-30. Review status: criteria provided, single submitter. Criteria: ACMG Guidelines, 2015. Collection method: clinical testing. Allele origin: unknown.

GeneDx
Classification: Uncertain significance. Last evaluated: 2020-12-18. Review status: criteria provided, single submitter. Criteria: GeneDx Variant Classification Process June 2021. Collection method: clinical testing. Allele origin: germline. Affected: yes.
Comment: Has not been previously published as pathogenic or benign to our knowledge; Reported in ClinVar as a variant of uncertain significance (ClinVar Variant ID# 945762; Landrum et al., 2016); In silico analysis supports that this missense variant does not alter protein structure/function

Literature cited by the submitters: PubMed 25299611 (cited by Ambry Genetics).